The following is an entry in ClinVar:

ClinVar aggregate classification (germline): Likely benign (0 of 4 stars; one submission).

Conditions:
INPP5E-related disorder. Also called: INPP5E-related condition.

gnomAD v4.1: 4 of 1,611,086 alleles (0.00025%); highest among the groups gnomAD compares: Non-Finnish European, 0.00034%; no homozygotes.

Submission:

PreventionGenetics, part of Exact Sciences
Classification: Likely benign for INPP5E-related condition. Last evaluated: 2023-06-06. Review status: no assertion criteria provided. Collection method: clinical testing. Allele origin: germline.
Comment: This variant is classified as likely benign based on ACMG/AMP sequence variant interpretation guidelines (Richards et al. 2015 PMID: 25741868, with internal and published modifications).

NM_019892.6(INPP5E):c.675G>A (p.Pro225=)

Gene: INPP5E (inositol polyphosphate-5-phosphatase E; minus strand). Cytogenetic location: 9q34.3.
Variant type: single nucleotide variant.
Coding change: c.675G>A on transcript NM_019892.6 (MANE Select); coding-DNA position 675, G replaced by A.
Protein change: p.Pro225=; no amino-acid change (proline 225 retained).
Molecular consequence: synonymous variant.
Genome position (GRCh38, 1-based): chr9:136,438,745, C>T on the plus strand (G>A on the coding strand, the complement: INPP5E is on the minus strand). VCF-style: chr9-136438745-C-T. GRCh37 (hg19) VCF-style: chr9-139333197-C-T.
Other names: c.675G>A, p.Pro225= (NM_001318502.2).
Identifiers: ClinVar variation 3355968 (VCV003355968.1).